The following is an entry in ClinVar:

NM_004397.6(DDX6):c.956G>A (p.Arg319His)

Gene: DDX6 (DEAD-box helicase 6; minus strand). Cytogenetic location: 11q23.3.
Variant type: single nucleotide variant.
Coding change: c.956G>A on transcript NM_004397.6 (MANE Select); coding-DNA position 956, G replaced by A.
Protein change: p.Arg319His; replaces arginine 319 with histidine.
Molecular consequence: missense variant.
Genome position (GRCh38, 1-based): chr11:118,758,811, C>T on the plus strand (G>A on the coding strand, the complement: DDX6 is on the minus strand). VCF-style: chr11-118758811-C-T. GRCh37 (hg19) VCF-style: chr11-118629520-C-T.
Other names: c.956G>A, p.Arg319His (NM_001257191.3); c.956G>A (NM_004397.4); short protein forms R319H.
Identifiers: ClinVar variation 2578450 (VCV002578450.3), dbSNP rs782597476, ClinGen allele CA6308404.

ClinVar aggregate classification (germline): Uncertain significance. Review status: criteria provided, multiple submitters, no conflicts (2 of 4 stars). 2 submissions from 2 submitters: Uncertain significance (2). Last evaluated 2025-05-19.

Conditions:
Inborn genetic diseases. Identifiers: MedGen C0950123, MeSH D030342.
Intellectual developmental disorder with impaired language and dysmorphic facies. Identifiers: MedGen C5231444, MONDO:0032851, OMIM 618653.

Allele frequency attached by ClinVar (database versions not stated): gnomAD exomes below 0.00001; ExAC 0.00001; gnomAD 0.00001.
gnomAD v4.1: 4 of 1,613,568 alleles (0.00025%); highest among the groups gnomAD compares: Non-Finnish European, 0.00034%; no homozygotes.

Submissions (2):

Ambry Genetics
Classification: Uncertain significance for Inborn genetic diseases. Last evaluated: 2025-05-19. Review status: criteria provided, single submitter. Criteria: Ambry Variant Classification Scheme 2023. Collection method: clinical testing. Allele origin: germline.

Institute of Human Genetics, University of Leipzig Medical Center
Classification: Uncertain significance for Intellectual developmental disorder with impaired language and dysmorphic facies. Last evaluated: 2023-09-04. Review status: criteria provided, single submitter. Criteria: ACMG Guidelines, 2015. Collection method: clinical testing. Allele origin: de novo. Inheritance: Autosomal dominant inheritance. Affected: yes.
Comment: Criteria applied: PS2_MOD,PM2_SUP,PP2